The following is an entry in ClinVar:

ClinVar aggregate classification (germline): Uncertain significance (1 of 4 stars; one submission).

gnomAD v4.1: 1 of 1,610,706 alleles (0.000062%); highest among the groups gnomAD compares: South Asian, 0.0011%; no homozygotes.

Submission:

Women's Health and Genetics/Laboratory Corporation of America, LabCorp
Classification: Uncertain significance. Last evaluated: 2024-12-20. Review status: criteria provided, single submitter. Criteria: LabCorp Variant Classification Summary - May 2015. Collection method: clinical testing. Allele origin: germline.
Comment: Variant summary: GUSB c.1715G>A (p.Gly572Asp) results in a non-conservative amino acid change located in the Glycoside hydrolase family 2, catalytic domain (IPR006103) of the encoded protein sequence. Three of five in-silico tools predict a damaging effect of the variant on protein function. The variant was absent in 251410 control chromosomes (gnomAD). c.1715G>A has been reported in the literature in individuals affected with Mucopolysaccharidosis Type VII (Sly Syndrome) (Vervoort_1996, Tomatsu_2009). These data indicate that the variant may be associated with disease. To our knowledge, no experimental evidence demonstrating an impact on protein function has been reported. The following publications have been ascertained in the context of this evaluation (PMID: 26415878, 19224584, 8644704). No submitters have cited clinical-significance assessments for this variant to ClinVar. Based on the evidence outlined above, the variant was classified as VUS-possibly pathogenic.

Literature cited by the submitters: PubMed 19224584; PubMed 26415878; PubMed 8644704.

NM_000181.4(GUSB):c.1715G>A (p.Gly572Asp)

Gene: GUSB (glucuronidase beta; minus strand). Cytogenetic location: 7q11.21.
Variant type: single nucleotide variant.
Coding change: c.1715G>A on transcript NM_000181.4 (MANE Select); coding-DNA position 1715, G replaced by A.
Protein change: p.Gly572Asp; replaces glycine 572 with aspartic acid.
Molecular consequence: missense variant. On other transcripts: non-coding transcript variant (1).
Genome position (GRCh38, 1-based): chr7:65,964,397, C>T on the plus strand (G>A on the coding strand, the complement: GUSB is on the minus strand). VCF-style: chr7-65964397-C-T. GRCh37 (hg19) VCF-style: chr7-65429384-C-T.
Other names: c.1277G>A, p.Gly426Asp (NM_001284290.2); c.1145G>A, p.Gly382Asp (NM_001293104.2); c.1058G>A, p.Gly353Asp (NM_001293105.2); short protein forms G353D, G382D, G426D, G572D.
Identifiers: ClinVar variation 3768492 (VCV003768492.1).